The following is an entry in ClinVar:

NM_000322.5(PRPH2):c.520T>G (p.Trp174Gly)

Gene: PRPH2 (peripherin 2; minus strand). Cytogenetic location: 6p21.1.
Variant type: single nucleotide variant.
Coding change: c.520T>G on transcript NM_000322.5 (MANE Select); coding-DNA position 520, T replaced by G.
Protein change: p.Trp174Gly; replaces tryptophan 174 with glycine.
Molecular consequence: missense variant.
Genome position (GRCh38, 1-based): chr6:42,721,815, A>C on the plus strand (T>G on the coding strand, the complement: PRPH2 is on the minus strand). VCF-style: chr6-42721815-A-C. GRCh37 (hg19) VCF-style: chr6-42689553-A-C.
Other names: short protein forms W174G.
Identifiers: ClinVar variation 4801347 (VCV004801347.1).

ClinVar aggregate classification (germline): Likely pathogenic (1 of 4 stars; one submission).

Conditions:
PRPH2-related disorder. Also called: PRPH2-related disorders; PRPH2-related condition. Identifiers: MedGen CN239395.

Submission:

Labcorp Genetics (formerly Invitae), Labcorp
Classification: Likely pathogenic for PRPH2-related disorder. Last evaluated: 2025-12-16. Review status: criteria provided, single submitter. Criteria: Invitae Variant Classification Sherloc (09022015). Collection method: clinical testing. Allele origin: germline.
Comment: This sequence change replaces tryptophan, which is neutral and slightly polar, with glycine, which is neutral and non-polar, at codon 174 of the PRPH2 protein (p.Trp174Gly). This variant is not present in population databases (gnomAD no frequency). This missense change has been observed in individual(s) with autosomal dominant PRPH2-related conditions (PMID: 7734845). Invitae Evidence Modeling of protein sequence and biophysical properties (such as structural, functional, and spatial information, amino acid conservation, physicochemical variation, residue mobility, and thermodynamic stability) indicates that this missense variant is expected to disrupt PRPH2 protein function with a positive predictive value of 95%. This variant disrupts the p.Trp174 amino acid residue in PRPH2. Other variant(s) that disrupt this residue have been determined to be pathogenic (PMID: 32531846, 34411390). This suggests that this residue is clinically significant, and that variants that disrupt this residue are likely to be disease-causing. In summary, the currently available evidence indicates that the variant is pathogenic, but additional data are needed to prove that conclusively. Therefore, this variant has been classified as Likely Pathogenic.

Literature cited by the submitters: PubMed 7734845; PubMed 32531846; PubMed 34411390.